The following is an entry in ClinVar:

NM_016628.5(WAC):c.1053G>A (p.Ser351=)

Gene: WAC (WW domain containing adaptor with coiled-coil; plus strand). Cytogenetic location: 10p12.1.
Variant type: single nucleotide variant.
Coding change: c.1053G>A on transcript NM_016628.5 (MANE Select); coding-DNA position 1053, G replaced by A.
Protein change: p.Ser351=; no amino-acid change (serine 351 retained).
Molecular consequence: synonymous variant.
Genome position (GRCh38, 1-based): chr10:28,608,319, G>A. VCF-style: chr10-28608319-G-A. GRCh37 (hg19) VCF-style: chr10-28897248-G-A.
Other names: c.918G>A, p.Ser306= (NM_100264.3); c.744G>A, p.Ser248= (NM_100486.4).
Identifiers: ClinVar variation 2640385 (VCV002640385.24), dbSNP rs138519406, ClinGen allele CA5454944.

ClinVar aggregate classification (germline): Likely benign (1 of 4 stars; one submission).

Allele frequency attached by ClinVar (database versions not stated): gnomAD 0.00001; TOPMed 0.00001; ESP Exome Variant Server 0.00008.
gnomAD v4.1: 60 of 1,613,940 alleles (0.0037%); highest among the groups gnomAD compares: Non-Finnish European, 0.0042%; 1 homozygote.

Submission:

CeGaT Center for Human Genetics Tuebingen
Classification: Likely benign. Last evaluated: 2022-12-01. Review status: criteria provided, single submitter. Criteria: CeGaT Center For Human Genetics Tuebingen Variant Classification Criteria Version 2. Collection method: clinical testing. Allele origin: germline. Affected: yes. Observed: 1 variant allele.
Comment: WAC: BP4, BP7